The following is an entry in ClinVar:

ClinVar aggregate classification (germline): Likely pathogenic (1 of 4 stars; one submission).

Conditions:
Niemann-Pick disease, type B. Also called: Chronic Visceral ASMD (Niemann-Pick Disease Type B; NPD-B). Identifiers: Orphanet 77293, MedGen C0268243, MONDO:0011871, OMIM 607616. Disease mechanism: loss of function.
Niemann-Pick disease, type A. Also called: Infantile Neurovisceral ASMD (Niemann-Pick Disease Type A; NPD-A); SPHINGOMYELIN LIPIDOSIS; SPHINGOMYELINASE DEFICIENCY. Identifiers: Orphanet 77292, MedGen C0268242, MONDO:0009756, OMIM 257200. Disease mechanism: loss of function.

Allele frequency attached by ClinVar (database versions not stated): ExAC 0.00001.

Submission:

Labcorp Genetics (formerly Invitae), Labcorp
Classification: Likely pathogenic for Niemann-Pick disease, type B; Niemann-Pick disease, type A. Last evaluated: 2021-11-16. Review status: criteria provided, single submitter. Criteria: Invitae Variant Classification Sherloc (09022015). Collection method: clinical testing. Allele origin: germline.
Comment: This variant is not present in population databases (gnomAD no frequency). This sequence change replaces histidine, which is basic and polar, with asparagine, which is neutral and polar, at codon 427 of the SMPD1 protein (p.His427Asn). This variant has not been reported in the literature in individuals affected with SMPD1-related conditions. Advanced modeling of protein sequence and biophysical properties (such as structural, functional, and spatial information, amino acid conservation, physicochemical variation, residue mobility, and thermodynamic stability) performed at Invitae indicates that this missense variant is expected to disrupt SMPD1 protein function. This variant disrupts the p.His427 amino acid residue in SMPD1. Other variant(s) that disrupt this residue have been determined to be pathogenic (PMID: 20386867, 25144372). This suggests that this residue is clinically significant, and that variants that disrupt this residue are likely to be disease-causing. In summary, the currently available evidence indicates that the variant is pathogenic, but additional data are needed to prove that conclusively. Therefore, this variant has been classified as Likely Pathogenic.

Literature cited by the submitters: PubMed 20386867; PubMed 25144372.

NM_000543.5(SMPD1):c.1279C>A (p.His427Asn)

Gene: SMPD1 (sphingomyelin phosphodiesterase 1; plus strand). Cytogenetic location: 11p15.4.
Variant type: single nucleotide variant.
Coding change: c.1279C>A on transcript NM_000543.5 (MANE Select); coding-DNA position 1279, C replaced by A.
Protein change: p.His427Asn; replaces histidine 427 with asparagine.
Molecular consequence: missense variant. On other transcripts: non-coding transcript variant (2).
Genome position (GRCh38, 1-based): chr11:6,393,632, C>A. VCF-style: chr11-6393632-C-A. GRCh37 (hg19) VCF-style: chr11-6414862-C-A.
Other names: c.1276C>A, p.His426Asn (NM_001007593.3); c.1279C>A, p.His427Asn (NM_001318087.2); c.358C>A, p.His120Asn (NM_001318088.2); c.1147C>A, p.His383Asn (NM_001365135.2); short protein forms H383N, H426N, H120N, H427N.
Identifiers: ClinVar variation 1470150 (VCV001470150.6), dbSNP rs760930408, ClinGen allele CA5852846.